The following is an entry in ClinVar:

NM_152564.5(VPS13B):c.10670C>T (p.Pro3557Leu)

Gene: VPS13B (vacuolar protein sorting 13 homolog B; plus strand). Cytogenetic location: 8q22.2.
Variant type: single nucleotide variant.
Coding change: c.10670C>T on transcript NM_152564.5 (MANE Select); coding-DNA position 10670, C replaced by T.
Protein change: p.Pro3557Leu; replaces proline 3557 with leucine.
Molecular consequence: missense variant.
Genome position (GRCh38, 1-based): chr8:99,854,059, C>T. VCF-style: chr8-99854059-C-T. GRCh37 (hg19) VCF-style: chr8-100866287-C-T.
Other names: c.10745C>T, p.Pro3582Leu (NM_017890.5); short protein forms P3557L, P3582L.
Identifiers: ClinVar variation 1929499 (VCV001929499.4), dbSNP rs866169695, ClinGen allele CA371785112.
Genomic context (GRCh38, chr8:99,854,059, plus strand): 5'-CCGGGGGTAAACAGGTGTTGCCCATGCAGGTCACACAGCACGCCAGGGCCTTGGTGAATC[C>T]TGTGAAGTTACGGAAACTGGTGATCCAGCCAGTAAATTTGCTCGTCAGCATCCACGCTTC-3'
Protein context (NP_689777.3, residues 3547-3567): VTQHARALVN[Pro3557Leu]VKLRKLVIQP

ClinVar aggregate classification (germline): Uncertain significance. Review status: criteria provided, multiple submitters, no conflicts (2 of 4 stars). 3 submissions from 3 submitters: Uncertain significance (3). Last evaluated 2026-02-06.

Conditions:
VPS13B-related disorder. Also called: VPS13B-related condition.
Cohen syndrome (COH1). Also called: PEPPER SYNDROME; Cutis verticis gyrata, retinitis pigmentosa, and sensorineural deafness. Identifiers: Orphanet 193, MedGen C0265223, MONDO:0008999, OMIM 216550.
Inborn genetic diseases. Identifiers: MedGen C0950123, MeSH D030342.

Allele frequency attached by ClinVar (database versions not stated): gnomAD 0.00003; TOPMed 0.00003.
gnomAD v4.1: 4 of 1,613,652 alleles (0.00025%); highest among the groups gnomAD compares: African/African-American, 0.0053%; no homozygotes.

Submissions (3):

PreventionGenetics, part of Exact Sciences
Classification: Uncertain significance for VPS13B-related condition. Last evaluated: 2026-02-06. Review status: criteria provided, single submitter. Criteria: ACMG Guidelines, 2015. Collection method: clinical testing. Allele origin: germline.
Comment: The VPS13B c.10670C>T variant is predicted to result in the amino acid substitution p.Pro3557Leu. To our knowledge, this variant has not been reported in the literature. This variant is reported in 0.023% of alleles in individuals of African descent in gnomAD. At this time, the clinical significance of this variant is uncertain due to the absence of conclusive functional and genetic evidence.

Labcorp Genetics (formerly Invitae), Labcorp
Classification: Uncertain significance for Cohen syndrome. Last evaluated: 2022-03-17. Review status: criteria provided, single submitter. Criteria: Invitae Variant Classification Sherloc (09022015). Collection method: clinical testing. Allele origin: germline.
Comment: This sequence change replaces proline, which is neutral and non-polar, with leucine, which is neutral and non-polar, at codon 3582 of the VPS13B protein (p.Pro3582Leu). This variant is present in population databases (no rsID available, gnomAD 0.02%). This variant has not been reported in the literature in individuals affected with VPS13B-related conditions. Algorithms developed to predict the effect of missense changes on protein structure and function are either unavailable or do not agree on the potential impact of this missense change (SIFT: "Not Available"; PolyPhen-2: "Possibly Damaging"; Align-GVGD: "Not Available"). In summary, the available evidence is currently insufficient to determine the role of this variant in disease. Therefore, it has been classified as a Variant of Uncertain Significance.

Ambry Genetics
Classification: Uncertain significance for Inborn genetic diseases. Last evaluated: 2021-05-26. Review status: criteria provided, single submitter. Criteria: Ambry Variant Classification Scheme 2023. Collection method: clinical testing. Allele origin: germline.